The following is an entry in ClinVar:

NM_032340.4(UQCC2):c.-2A>C

Gene: UQCC2 (ubiquinol-cytochrome c reductase complex assembly factor 2; minus strand). Cytogenetic location: 6p21.31.
Variant type: single nucleotide variant.
Coding change: c.-2A>C on transcript NM_032340.4 (MANE Select); 2 bases upstream of the start codon, A replaced by C.
Molecular consequence: 5 prime UTR variant.
Genome position (GRCh38, 1-based): chr6:33,711,688, T>G on the plus strand (A>C on the coding strand, the complement: UQCC2 is on the minus strand). VCF-style: chr6-33711688-T-G. GRCh37 (hg19) VCF-style: chr6-33679465-T-G.
Identifiers: ClinVar variation 3053139 (VCV003053139.3), dbSNP rs749233483, ClinGen allele CA3762567.

ClinVar aggregate classification (germline): Uncertain significance. Review status: criteria provided, single submitter (1 of 4 stars). 2 submissions from 2 submitters: Uncertain significance (1). 1 of the submissions does not count toward it. Last evaluated 2025-05-12.

Conditions:
UQCC2-related disorder. Also called: UQCC2-related condition.

Allele frequency attached by ClinVar (database versions not stated): TOPMed 0.00012; gnomAD 0.00013; ExAC 0.00014.
gnomAD v4.1: 150 of 1,607,524 alleles (0.0093%); highest among the groups gnomAD compares: Non-Finnish European, 0.012%; no homozygotes.

Submissions (2):

GeneDx
Classification: Uncertain significance. Last evaluated: 2025-05-12. Review status: criteria provided, single submitter. Criteria: GeneDx Variant Classification Process June 2021. Collection method: clinical testing. Allele origin: germline. Affected: yes.
Comment: Has not been previously published as pathogenic or benign to our knowledge; Located in a regulatory region; in the absence of functional studies, the actual effect of this sequence change is unknown

PreventionGenetics, part of Exact Sciences
Classification: Likely benign for UQCC2-related condition. Last evaluated: 2019-08-29. Review status: no assertion criteria provided. Collection method: clinical testing. Allele origin: germline. Not counted in ClinVar's aggregate classification.
Comment: This variant is classified as likely benign based on ACMG/AMP sequence variant interpretation guidelines (Richards et al. 2015 PMID: 25741868, with internal and published modifications).